The following is an entry in ClinVar:

NM_018076.5(ODAD2):c.2038A>C (p.Lys680Gln)

Gene: ODAD2 (outer dynein arm docking complex subunit 2; minus strand). Cytogenetic location: 10p12.1.
Variant type: single nucleotide variant.
Coding change: c.2038A>C on transcript NM_018076.5 (MANE Select); coding-DNA position 2038, A replaced by C.
Protein change: p.Lys680Gln; replaces lysine 680 with glutamine.
Molecular consequence: missense variant.
Genome position (GRCh38, 1-based): chr10:27,939,956, T>G on the plus strand (A>C on the coding strand, the complement: ODAD2 is on the minus strand). VCF-style: chr10-27939956-T-G. GRCh37 (hg19) VCF-style: chr10-28228885-T-G.
Other names: c.2038A>C, p.Lys680Gln (NM_001290020.2); c.613A>C, p.Lys205Gln (NM_001290021.2); c.1114A>C, p.Lys372Gln (NM_001312689.2); short protein forms K372Q, K205Q, K680Q.
Identifiers: ClinVar variation 2115298 (VCV002115298.4), dbSNP rs770427120, ClinGen allele CA5453324.

ClinVar aggregate classification (germline): Uncertain significance (1 of 4 stars; one submission).

Conditions:
Primary ciliary dyskinesia 23 (CILD23). Also called: CILIARY DYSKINESIA, PRIMARY, 23, WITH OR WITHOUT SITUS INVERSUS. Identifiers: Orphanet 244, MedGen C3809548, MONDO:0014193, OMIM 615451.

Allele frequency attached by ClinVar (database versions not stated): gnomAD exomes below 0.00001; ExAC 0.00001.
gnomAD v4.1: 1 of 1,611,370 alleles (0.000062%); highest among the groups gnomAD compares: Non-Finnish European, 0.000085%; no homozygotes.

Submission:

Labcorp Genetics (formerly Invitae), Labcorp
Classification: Uncertain significance for Primary ciliary dyskinesia 23. Last evaluated: 2022-03-20. Review status: criteria provided, single submitter. Criteria: Invitae Variant Classification Sherloc (09022015). Collection method: clinical testing. Allele origin: germline.
Comment: This variant is present in population databases (rs770427120, gnomAD 0.0009%). This sequence change replaces lysine, which is basic and polar, with glutamine, which is neutral and polar, at codon 680 of the ARMC4 protein (p.Lys680Gln). In summary, the available evidence is currently insufficient to determine the role of this variant in disease. Therefore, it has been classified as a Variant of Uncertain Significance. Algorithms developed to predict the effect of missense changes on protein structure and function are either unavailable or do not agree on the potential impact of this missense change (SIFT: "Deleterious"; PolyPhen-2: "Probably Damaging"; Align-GVGD: "Class C0"). This variant has not been reported in the literature in individuals affected with ARMC4-related conditions.